The following is an entry in ClinVar:

ClinVar aggregate classification (germline): Uncertain significance (1 of 4 stars; one submission).

Conditions:
Autism (AUTS). Also called: Autistic disorder; Autistic disorder of childhood onset. Identifiers: MedGen C0004352, MeSH D001321, MONDO:0005260, OMIM 209850, HP:0000717.

Submission:

Geisinger Autism and Developmental Medicine Institute, Geisinger Health System
Classification: Uncertain significance for Autism. Last evaluated: 2018-03-28. Review status: criteria provided, single submitter. Criteria: ACMG CNV Guidelines, 2011. Collection method: provider interpretation. Allele origin: unknown.
Comment: Parental testing was not completed. This deletion includes a portion of CNTN4. Disruptions of CNTN4 have been reported in individuals with autism spectrum disorders, individuals with 3p- syndrome, and unaffected parents. It is not clear whether this deletion is related to the patient's neurodevelopmental history.

Literature cited by the submitters: PubMed 18349135; PubMed 18551756.

Single allele

Genes: CNTN4 (contactin 4; plus strand), CNTN4-AS2 (CNTN4 antisense RNA 2; minus strand), LOC107522028 (meiotic recombination hotspot T; plus strand), LOC132088944 (Neanderthal introgressed variant-containing enhancer experimental_68491; plus strand), LOC132088949 (Neanderthal introgressed variant-containing enhancer experimental_68954; plus strand). Cytogenetic location: 3p26.3.
Variant type: Deletion.
Identifiers: ClinVar variation 560127 (VCV000560127.3).